The following is an entry in ClinVar:

ClinVar aggregate classification (germline): Uncertain significance (1 of 4 stars; one submission).

Conditions:
Hereditary cancer-predisposing syndrome. Also called: Tumor predisposition; Neoplastic Syndromes, Hereditary; Hereditary neoplastic syndrome; Hereditary Cancer Syndrome. Identifiers: Orphanet 140162, MedGen C0027672, MeSH D009386, MONDO:0015356.

Submission:

Ambry Genetics
Classification: Uncertain significance for Hereditary cancer-predisposing syndrome. Last evaluated: 2025-08-04. Review status: criteria provided, single submitter. Criteria: Ambry Variant Classification Scheme 2023. Collection method: clinical testing. Allele origin: germline.
Comment: The p.F917V variant (also known as c.2749T>G), located in coding exon 20 of the KIT gene, results from a T to G substitution at nucleotide position 2749. The phenylalanine at codon 917 is replaced by valine, an amino acid with highly similar properties. This amino acid position is conserved. In addition, this alteration is predicted to be deleterious by in silico analysis. Based on the available evidence, the clinical significance of this variant remains unclear.

NM_000222.3(KIT):c.2749T>G (p.Phe917Val)

Gene: KIT (KIT proto-oncogene, receptor tyrosine kinase; plus strand). Cytogenetic location: 4q12.
Variant type: single nucleotide variant.
Coding change: c.2749T>G on transcript NM_000222.3 (MANE Select); coding-DNA position 2749, T replaced by G.
Protein change: p.Phe917Val; replaces phenylalanine 917 with valine.
Molecular consequence: missense variant.
Genome position (GRCh38, 1-based): chr4:54,737,227, T>G. VCF-style: chr4-54737227-T-G. GRCh37 (hg19) VCF-style: chr4-55603393-T-G.
Other names: c.2737T>G, p.Phe913Val (NM_001093772.2, NM_001385292.1); c.2752T>G, p.Phe918Val (NM_001385284.1); c.2746T>G, p.Phe916Val (NM_001385285.1); c.2734T>G, p.Phe912Val (NM_001385286.1); c.2740T>G, p.Phe914Val (NM_001385288.1); c.2749T>G, p.Phe917Val (NM_001385290.1); short protein forms F917V, F914V, F913V, F916V, F918V, F912V.
Identifiers: ClinVar variation 4093190 (VCV004093190.1).
Genomic context (GRCh38, chr4:54,737,227, plus strand): 5'-TCTTGCAGGTATGACATAATGAAGACTTGCTGGGATGCAGATCCCCTAAAAAGACCAACA[T>G]TCAAGCAAATTGTTCAGCTAATTGAGAAGCAGATTTCAGAGAGCACCAATCATGTGAGTA-3'
Protein context (NP_000213.1, residues 907-927): WDADPLKRPT[Phe917Val]KQIVQLIEKQ